The following is an entry in ClinVar:

ClinVar aggregate classification (germline): Uncertain significance (1 of 4 stars; one submission).

Allele frequency attached by ClinVar (database versions not stated): gnomAD exomes below 0.00001; TOPMed below 0.00001.
gnomAD v4.1: 1 of 1,591,944 alleles (0.000063%); highest among the groups gnomAD compares: Non-Finnish European, 0.000086%; no homozygotes.

Submission:

GeneDx
Classification: Uncertain significance. Last evaluated: 2022-11-25. Review status: criteria provided, single submitter. Criteria: GeneDx Variant Classification Process June 2021. Collection method: clinical testing. Allele origin: germline. Affected: yes.
Comment: Canonical splice site variant predicted to result in a null allele in a gene for which loss of function is a known mechanism of disease; Not observed at significant frequency in large population cohorts (gnomAD); Has not been previously published as pathogenic or benign to our knowledge

NM_001231.5(CASQ1):c.365-2A>T

Gene: CASQ1 (calsequestrin 1; plus strand). Cytogenetic location: 1q23.2.
Variant type: single nucleotide variant.
Coding change: c.365-2A>T on transcript NM_001231.5 (MANE Select); the canonical splice acceptor site of the intron before coding-DNA position 365, A replaced by T.
Molecular consequence: splice acceptor variant.
Genome position (GRCh38, 1-based): chr1:160,193,745, A>T. VCF-style: chr1-160193745-A-T. GRCh37 (hg19) VCF-style: chr1-160163535-A-T.
Identifiers: ClinVar variation 2503217 (VCV002503217.1), dbSNP rs1420012716, ClinGen allele CA343253524.
Genomic context (GRCh38, chr1:160,193,745, plus strand): 5'-ATCTGTGGGAAGCCTGGGATCATGGCTCACTACCCCACCCCTGCGCCCGGCTCACTCCCT[A>T]GGCCTAACTGAAGTGGACAGCATGTATGTATTCAAGGGAGATGAAGTCATTGAGTACGAT-3'